The following is an entry in ClinVar:

NM_001024630.4(RUNX2):c.1117C>T (p.Pro373Ser)

Gene: RUNX2 (RUNX family transcription factor 2; plus strand). Cytogenetic location: 6p21.1.
Variant type: single nucleotide variant.
Coding change: c.1117C>T on transcript NM_001024630.4 (MANE Select); coding-DNA position 1117, C replaced by T.
Protein change: p.Pro373Ser; replaces proline 373 with serine.
Molecular consequence: missense variant.
Genome position (GRCh38, 1-based): chr6:45,546,856, C>T. VCF-style: chr6-45546856-C-T. GRCh37 (hg19) VCF-style: chr6-45514593-C-T.
Other names: c.1051C>T, p.Pro351Ser (NM_001015051.4); c.1009C>T, p.Pro337Ser (NM_001278478.2); c.1075C>T, p.Pro359Ser (NM_001369405.1); short protein forms P337S, P359S, P373S, P351S.
Identifiers: ClinVar variation 1469192 (VCV001469192.8), dbSNP rs1563133543, ClinGen allele CA363956530.
Genomic context (GRCh38, chr6:45,546,856, plus strand): 5'-TTTTCCCTCCATCTTCTGTTATAATTTTTAGGTGCTTCAGAACTGGGCCCTTTTTCAGAC[C>T]CCAGGCAGTTCCCAAGCATTTCATCCCTCACTGAGAGCCGCTTCTCCAACCCACGAATGC-3'
Protein context (NP_001019801.3, residues 363-383): GASELGPFSD[Pro373Ser]RQFPSISSLT

ClinVar aggregate classification (germline): Uncertain significance (1 of 4 stars; one submission).

Allele frequency attached by ClinVar (database versions not stated): gnomAD exomes below 0.00001; gnomAD 0.00001.
gnomAD v4.1: 5 of 1,613,564 alleles (0.00031%); highest among the groups gnomAD compares: Admixed American, 0.005%; no homozygotes.

Submission:

Labcorp Genetics (formerly Invitae), Labcorp
Classification: Uncertain significance. Last evaluated: 2025-10-23. Review status: criteria provided, single submitter. Criteria: Invitae Variant Classification Sherloc (09022015). Collection method: clinical testing. Allele origin: germline.
Comment: This sequence change replaces proline, which is neutral and non-polar, with serine, which is neutral and polar, at codon 373 of the RUNX2 protein (p.Pro373Ser). This variant is not present in population databases (gnomAD no frequency). This variant has not been reported in the literature in individuals affected with RUNX2-related conditions. ClinVar contains an entry for this variant (Variation ID: 1469192). Invitae Evidence Modeling of protein sequence and biophysical properties (such as structural, functional, and spatial information, amino acid conservation, physicochemical variation, residue mobility, and thermodynamic stability) indicates that this missense variant is not expected to disrupt RUNX2 protein function with a negative predictive value of 80%. In summary, the available evidence is currently insufficient to determine the role of this variant in disease. Therefore, it has been classified as a Variant of Uncertain Significance.